The following is an entry in ClinVar:

NM_020812.4(DOCK6):c.2505C>A (p.Tyr835Ter)

Gene: DOCK6 (dedicator of cytokinesis 6; minus strand). Cytogenetic location: 19p13.2.
Variant type: single nucleotide variant.
Coding change: c.2505C>A on transcript NM_020812.4 (MANE Select); coding-DNA position 2505, C replaced by A.
Protein change: p.Tyr835Ter; replaces tyrosine 835 with a stop codon.
Molecular consequence: nonsense.
Genome position (GRCh38, 1-based): chr19:11,235,647, G>T on the plus strand (C>A on the coding strand, the complement: DOCK6 is on the minus strand). VCF-style: chr19-11235647-G-T. GRCh37 (hg19) VCF-style: chr19-11346323-G-T.
Other names: c.2505C>A, p.Tyr835Ter (NM_001367830.1); short protein forms Y835*.
Identifiers: ClinVar variation 4750179 (VCV004750179.1).
Genomic context (GRCh38, chr19:11,235,647, plus strand): 5'-TACAAACTCACCATCCGGGAGGCTGGGCTCAGTGCCAGGAAGGCGAAAGGCGTAGTGGAC[G>T]TAGGCAGCCAGCTGTGGGCAGTGACCGCGGGCATCCTGGGCTGCCTCCAGGCTCCGGTGA-3'

ClinVar aggregate classification (germline): Pathogenic (1 of 4 stars; one submission).

gnomAD v4.1: 5 of 1,603,280 alleles (0.00031%); highest among the groups gnomAD compares: Non-Finnish European, 0.00043%; no homozygotes.

Submission:

Labcorp Genetics (formerly Invitae), Labcorp
Classification: Pathogenic. Last evaluated: 2025-06-23. Review status: criteria provided, single submitter. Criteria: Invitae Variant Classification Sherloc (09022015). Collection method: clinical testing. Allele origin: germline.
Comment: This sequence change creates a premature translational stop signal (p.Tyr835*) in the DOCK6 gene. It is expected to result in an absent or disrupted protein product. Loss-of-function variants in DOCK6 are known to be pathogenic (PMID: 21820096, 25824905). The frequency data for this variant in the population databases is considered unreliable, as metrics indicate poor data quality at this position in the gnomAD database. This premature translational stop signal has been observed in individual(s) with Adams-Oliver syndrome (PMID: 29631299). For these reasons, this variant has been classified as Pathogenic.

Literature cited by the submitters: PubMed 21820096; PubMed 25824905; PubMed 29631299.